The following is an entry in ClinVar:

ClinVar aggregate classification (germline): Uncertain significance (1 of 4 stars; one submission).

Allele frequency attached by ClinVar (database versions not stated): gnomAD 0.00001.
gnomAD v4.1: 1 of 1,549,948 alleles (0.000065%); highest among the groups gnomAD compares: South Asian, 0.0012%; no homozygotes.

Submission:

Labcorp Genetics (formerly Invitae), Labcorp
Classification: Uncertain significance. Last evaluated: 2022-10-18. Review status: criteria provided, single submitter. Criteria: Invitae Variant Classification Sherloc (09022015). Collection method: clinical testing. Allele origin: germline.
Comment: This sequence change replaces methionine, which is neutral and non-polar, with valine, which is neutral and non-polar, at codon 645 of the MYO7A protein (p.Met645Val). This variant is not present in population databases (gnomAD no frequency). This variant has not been reported in the literature in individuals affected with MYO7A-related conditions. ClinVar contains an entry for this variant (Variation ID: 1479273). Algorithms developed to predict the effect of missense changes on protein structure and function are either unavailable or do not agree on the potential impact of this missense change (SIFT: "Deleterious"; PolyPhen-2: "Benign"; Align-GVGD: "Class C0"). In summary, the available evidence is currently insufficient to determine the role of this variant in disease. Therefore, it has been classified as a Variant of Uncertain Significance.

NM_000260.4(MYO7A):c.1933A>G (p.Met645Val)

Gene: MYO7A (myosin VIIA; plus strand). Cytogenetic location: 11q13.5.
Variant type: single nucleotide variant.
Coding change: c.1933A>G on transcript NM_000260.4 (MANE Select); coding-DNA position 1933, A replaced by G.
Protein change: p.Met645Val; replaces methionine 645 with valine.
Molecular consequence: missense variant.
Genome position (GRCh38, 1-based): chr11:77,172,883, A>G. VCF-style: chr11-77172883-A-G. GRCh37 (hg19) VCF-style: chr11-76883929-A-G.
Other names: c.1933A>G, p.Met645Val (NM_001127180.2); c.1900A>G, p.Met634Val (NM_001369365.1); short protein forms M645V, M634V.
Identifiers: ClinVar variation 1479273 (VCV001479273.5), dbSNP rs1954253807, ClinGen allele CA381938631.